The following is an entry in ClinVar:

ClinVar aggregate classification (germline): Uncertain significance. Review status: criteria provided, multiple submitters, no conflicts (2 of 4 stars). 3 submissions from 3 submitters: Uncertain significance (2). 1 of the submissions does not count toward it. Last evaluated 2025-11-30.

Conditions:
Hereditary cancer-predisposing syndrome. Also called: Hereditary Cancer Syndrome; Tumor predisposition; Neoplastic Syndromes, Hereditary; Hereditary neoplastic syndrome. Identifiers: Orphanet 140162, MedGen C0027672, MeSH D009386, MONDO:0015356.
Ataxia-telangiectasia syndrome (AT). Also called: ATAXIA-TELANGIECTASIA, FRESNO VARIANT; Ataxia-telangiectasia, complementation group E; Ataxia telangiectasia (A-T); Cerebello-oculocutaneous telangiectasia; Immunodeficiency with ataxia telangiectasia; LOUIS-BAR SYNDROME. Identifiers: Orphanet 100, MedGen C0004135, MONDO:0008840, OMIM 208900.
Malignant tumor of breast. Also called: Malignant breast neoplasm; Cancer breast. Identifiers: MedGen C0006142, MONDO:0007254. Disease mechanism: loss of function.

Allele frequency attached by ClinVar (database versions not stated): TOPMed 0.00001; gnomAD 0.00003.
gnomAD v4.1: 4 of 1,613,952 alleles (0.00025%); highest among the groups gnomAD compares: Non-Finnish European, 0.00034%; no homozygotes.

Submissions (3):

Ambry Genetics
Classification: Uncertain significance for Hereditary cancer-predisposing syndrome. Last evaluated: 2025-11-30. Review status: criteria provided, single submitter. Criteria: Ambry Variant Classification Scheme 2023. Collection method: clinical testing. Allele origin: germline.
Comment: The p.S474N variant (also known as c.1421G>A), located in coding exon 9 of the ATM gene, results from a G to A substitution at nucleotide position 1421. The serine at codon 474 is replaced by asparagine, an amino acid with highly similar properties. This amino acid position is not well conserved in available vertebrate species. In addition, this alteration is predicted to be tolerated by in silico analysis. Since supporting evidence is limited at this time, the clinical significance of this alteration remains unclear.

Labcorp Genetics (formerly Invitae), Labcorp
Classification: Uncertain significance for Ataxia-telangiectasia syndrome. Last evaluated: 2025-10-11. Review status: criteria provided, single submitter. Criteria: Invitae Variant Classification Sherloc (09022015). Collection method: clinical testing. Allele origin: germline.
Comment: This sequence change replaces serine, which is neutral and polar, with asparagine, which is neutral and polar, at codon 474 of the ATM protein (p.Ser474Asn). This variant is present in population databases (no rsID available, gnomAD 0.002%). This variant has not been reported in the literature in individuals affected with ATM-related conditions. ClinVar contains an entry for this variant (Variation ID: 652229). Invitae Evidence Modeling of protein sequence and biophysical properties (such as structural, functional, and spatial information, amino acid conservation, physicochemical variation, residue mobility, and thermodynamic stability) indicates that this missense variant is not expected to disrupt ATM protein function with a negative predictive value of 95%. In summary, the available evidence is currently insufficient to determine the role of this variant in disease. Therefore, it has been classified as a Variant of Uncertain Significance.

Center of Medical Genetics and Primary Health Care
Classification: Uncertain significance for Breast Cancer. Review status: no assertion criteria provided. Collection method: clinical testing. Allele origin: germline. Affected: yes. Not counted in ClinVar's aggregate classification.

NM_000051.4(ATM):c.1421G>A (p.Ser474Asn)

Gene: ATM (ATM serine/threonine kinase; plus strand). Cytogenetic location: 11q22.3.
Variant type: single nucleotide variant.
Coding change: c.1421G>A on transcript NM_000051.4 (MANE Select); coding-DNA position 1421, G replaced by A.
Protein change: p.Ser474Asn; replaces serine 474 with asparagine.
Molecular consequence: missense variant.
Genome position (GRCh38, 1-based): chr11:108,250,886, G>A. VCF-style: chr11-108250886-G-A. GRCh37 (hg19) VCF-style: chr11-108121613-G-A.
Other names: c.1421G>A, p.Ser474Asn (NM_001351834.2); short protein forms S474N.
Identifiers: ClinVar variation 652229 (VCV000652229.17), dbSNP rs876659240, ClinGen allele CA382534006.
Genomic context (GRCh38, chr11:108,250,886, plus strand): 5'-ATGTGTTACGATGCCTTACGGAAGTTGCATTGTGTCAAGACAAGAGGTCAAACCTAGAAA[G>A]CTCACAAAAGTCAGATTTATTAAAACTCTGGAATAAAATTTGGTGTATTACCTTTCGTGG-3'
Protein context (NP_000042.3, residues 464-484): LCQDKRSNLE[Ser474Asn]SQKSDLLKLW